The following is an entry in ClinVar:

ClinVar aggregate classification (germline): Likely benign. Review status: criteria provided, multiple submitters, no conflicts (2 of 4 stars). 2 submissions from 2 submitters: Likely benign (2). Last evaluated 2026-09-21.

Conditions:
Dilated cardiomyopathy 1G (CMD1G). Identifiers: Orphanet 154, MedGen C1858763, MONDO:0011400, OMIM 604145.
Autosomal recessive limb-girdle muscular dystrophy type 2J (LGMDR10). Also called: Limb-girdle muscular dystrophy, type 2J; MUSCULAR DYSTROPHY, LIMB-GIRDLE, AUTOSOMAL RECESSIVE 10. Identifiers: Orphanet 140922, MedGen C1837342, MONDO:0012127, OMIM 608807.

Allele frequency attached by ClinVar (database versions not stated): gnomAD exomes below 0.00001.
gnomAD v4.1: 3 of 1,612,976 alleles (0.00019%); highest among the groups gnomAD compares: South Asian, 0.0011%; no homozygotes.

Submissions (2):

Molecular Diagnostic Laboratory for Inherited Cardiovascular Disease, Montreal Heart Institute
Classification: Likely benign. Last evaluated: 2026-09-21. Review status: criteria provided, single submitter. Criteria: ACMG Guidelines, 2015. Collection method: clinical testing. Allele origin: germline. Affected: no.
Comment: BP7

Labcorp Genetics (formerly Invitae), Labcorp
Classification: Likely benign for Dilated cardiomyopathy 1G; Autosomal recessive limb-girdle muscular dystrophy type 2J. Last evaluated: 2023-04-09. Review status: criteria provided, single submitter. Criteria: Invitae Variant Classification Sherloc (09022015). Collection method: clinical testing. Allele origin: germline.

NM_001267550.2(TTN):c.61200T>C (p.Gly20400=)

Genes: TTN (titin; minus strand), TTN-AS1 (TTN antisense RNA 1; plus strand). Cytogenetic location: 2q31.2.
Variant type: single nucleotide variant.
Coding change: c.61200T>C on transcript NM_001267550.2 (MANE Select); coding-DNA position 61200, T replaced by C.
Protein change: p.Gly20400=; no amino-acid change (glycine 20400 retained).
Molecular consequence: synonymous variant.
Genome position (GRCh38, 1-based): chr2:178,590,525, A>G on the plus strand (T>C on the coding strand, the complement: TTN is on the minus strand). VCF-style: chr2-178590525-A-G. GRCh37 (hg19) VCF-style: chr2-179455252-A-G.
Other names: c.56277T>C, p.Gly18759= (NM_001256850.1); c.34005T>C, p.Gly11335= (NM_003319.4); c.53496T>C, p.Gly17832= (NM_133378.4); c.34380T>C, p.Gly11460= (NM_133432.3); c.34581T>C, p.Gly11527= (NM_133437.4).
Identifiers: ClinVar variation 2932762 (VCV002932762.4), dbSNP rs1481996420, ClinGen allele CA430266388.